The following is an entry in ClinVar:

ClinVar aggregate classification (germline): Likely pathogenic (1 of 4 stars; one submission).

Conditions:
Leukocyte adhesion deficiency 1 (LAD1). Also called: LEUKOCYTE ADHESION DEFICIENCY, TYPE I; LAD 1; Lymphocyte function-associated antigen 1 immunodeficiency; LFA 1 immunodeficiency. Identifiers: Orphanet 2968, Orphanet 99842, MedGen C0398738, MONDO:0007293, OMIM 116920.

Allele frequency attached by ClinVar (database versions not stated): ExAC 0.00001; gnomAD exomes below 0.00001.

Submissions (2):

Labcorp Genetics (formerly Invitae), Labcorp
Classification: Likely pathogenic for Leukocyte adhesion deficiency 1. Last evaluated: 2022-07-26. Review status: criteria provided, single submitter. Criteria: Invitae Variant Classification Sherloc (09022015). Collection method: clinical testing. Allele origin: germline.
Comment: In summary, the currently available evidence indicates that the variant is pathogenic, but additional data are needed to prove that conclusively. Therefore, this variant has been classified as Likely Pathogenic. Algorithms developed to predict the effect of sequence changes on RNA splicing suggest that this variant may disrupt the consensus splice site. ClinVar contains an entry for this variant (Variation ID: 1511450). This variant has not been reported in the literature in individuals affected with ITGB2-related conditions. This variant is not present in population databases (gnomAD no frequency). This sequence change affects an acceptor splice site in intron 7 of the ITGB2 gene. It is expected to disrupt RNA splicing. Variants that disrupt the donor or acceptor splice site typically lead to a loss of protein function (PMID: 16199547), and loss-of-function variants in ITGB2 are known to be pathogenic (PMID: 22134107, 25703682).

Dr. Peter K. Rogan Lab, Western University
No classification provided (evidence only). Condition: Colon adenocarcinoma. Review status: no classification provided. Collection method: in vitro. Allele origin: not applicable. Functional consequence: skipped exon, retained intron. Not counted in ClinVar's aggregate classification.

Literature cited by the submitters: PubMed 16199547 (cited by Labcorp Genetics (formerly Invitae), Labcorp); PubMed 22134107 (cited by Labcorp Genetics (formerly Invitae), Labcorp); PubMed 25703682 (cited by Labcorp Genetics (formerly Invitae), Labcorp).

NM_000211.5(ITGB2):c.898-1G>C

Gene: ITGB2 (integrin subunit beta 2; minus strand). Cytogenetic location: 21q22.3.
Variant type: single nucleotide variant.
Coding change: c.898-1G>C on transcript NM_000211.5 (MANE Select); the canonical splice acceptor site of the intron before coding-DNA position 898, G replaced by C.
Molecular consequence: splice acceptor variant.
Genome position (GRCh38, 1-based): chr21:44,899,163, C>G on the plus strand (G>C on the coding strand, the complement: ITGB2 is on the minus strand). VCF-style: chr21-44899163-C-G. GRCh37 (hg19) VCF-style: chr21-46319078-C-G.
Other names: c.898-1G>C (NM_001127491.3); c.691-1G>C (NM_001303238.2).
Identifiers: ClinVar variation 1511450 (VCV001511450.7), dbSNP rs755834578, ClinGen allele CA10063008.